The following is an entry in ClinVar:

ClinVar aggregate classification (germline): Uncertain significance. Review status: criteria provided, multiple submitters, no conflicts (2 of 4 stars). 5 submissions from 5 submitters: Uncertain significance (5). Last evaluated 2023-04-11.

Conditions:
MHC class II deficiency. Also called: Bare lymphocyte syndrome 2; BLS, TYPE II. Identifiers: Orphanet 572, MedGen C5447452, MONDO:0008855.
MHC class II deficiency 1 (MHC2D1). Also called: BARE LYMPHOCYTE SYNDROME, TYPE II, COMPLEMENTATION GROUP A; Bare lymphocyte syndrome type 2, complementation group A; SCID, HLA CLASS II-NEGATIVE. Identifiers: MedGen C1859534, MONDO:0971005, OMIM 209920.

Allele frequency attached by ClinVar (database versions not stated): gnomAD exomes below 0.00001 and 0.00003; TOPMed 0.00001.

Submissions (5):

Genome-Nilou Lab
Classification: Uncertain significance for MHC class II deficiency 1. Last evaluated: 2023-04-11. Review status: criteria provided, single submitter. Criteria: ACMG Guidelines, 2015. Collection method: clinical testing. Allele origin: germline. Affected: no.

Labcorp Genetics (formerly Invitae), Labcorp
Classification: Uncertain significance for MHC class II deficiency. Last evaluated: 2022-08-09. Review status: criteria provided, single submitter. Criteria: Invitae Variant Classification Sherloc (09022015). Collection method: clinical testing. Allele origin: germline.
Comment: This sequence change replaces arginine, which is basic and polar, with tryptophan, which is neutral and slightly polar, at codon 466 of the RFX5 protein (p.Arg466Trp). This variant is not present in population databases (gnomAD no frequency). This variant has not been reported in the literature in individuals affected with RFX5-related conditions. ClinVar contains an entry for this variant (Variation ID: 1331461). Algorithms developed to predict the effect of missense changes on protein structure and function are either unavailable or do not agree on the potential impact of this missense change (SIFT: "Deleterious"; PolyPhen-2: "Probably Damaging"; Align-GVGD: "Class C0"). In summary, the available evidence is currently insufficient to determine the role of this variant in disease. Therefore, it has been classified as a Variant of Uncertain Significance.

Women's Health and Genetics/Laboratory Corporation of America, LabCorp
Classification: Uncertain significance. Last evaluated: 2021-12-20. Review status: criteria provided, single submitter. Criteria: LabCorp Variant Classification Summary - May 2015. Collection method: clinical testing. Allele origin: germline.

Revvity Omics, Revvity
Classification: Uncertain significance for MHC class II deficiency 1. Last evaluated: 2020-12-04. Review status: criteria provided, single submitter. Criteria: ACMG Guidelines, 2015. Collection method: clinical testing. Allele origin: germline.

Blueprint Genetics
Classification: Uncertain significance. Last evaluated: 2019-10-04. Review status: criteria provided, single submitter. Criteria: ACMG Guidelines, 2015. Collection method: clinical testing. Allele origin: germline.

NM_001025603.2(RFX5):c.1396C>T (p.Arg466Trp)

Gene: RFX5 (regulatory factor X5; minus strand). Cytogenetic location: 1q21.3.
Variant type: single nucleotide variant.
Coding change: c.1396C>T on transcript NM_001025603.2 (MANE Select); coding-DNA position 1396, C replaced by T.
Protein change: p.Arg466Trp; replaces arginine 466 with tryptophan.
Molecular consequence: missense variant.
Genome position (GRCh38, 1-based): chr1:151,342,641, G>A on the plus strand (C>T on the coding strand, the complement: RFX5 is on the minus strand). VCF-style: chr1-151342641-G-A. GRCh37 (hg19) VCF-style: chr1-151315117-G-A.
Other names: c.1396C>T, p.Arg466Trp (NM_000449.4, NM_001379412.1, NM_001379413.1 and 5 more transcripts); c.1276C>T, p.Arg426Trp (NM_001379419.1, NM_001379420.1); short protein forms R426W, R466W.
Identifiers: ClinVar variation 1331461 (VCV001331461.10), dbSNP rs1557830458, ClinGen allele CA341926777.